The following is an entry in ClinVar:

ClinVar aggregate classification (germline): Likely pathogenic (1 of 4 stars; one submission).

Conditions:
Primary ciliary dyskinesia. Also called: Ciliary dyskinesia. Identifiers: Orphanet 244, MedGen C0008780, MONDO:0016575, HP:0012265.

Submission:

Department of Human Genetics, Hannover Medical School
Classification: Likely pathogenic for Primary Ciliary Dyskinesia. Last evaluated: 2026-04-01. Review status: criteria provided, single submitter. Criteria: ACMG Guidelines, 2015. Collection method: research. Allele origin: germline. Affected: no.
Comment: Classification performed by HerediClassify using the following criteria:['PM2_supporting: Variant occures does not occur as homozygous in gnomAD.', 'PVS1_protein_very_strong: Transcript ENST00000378823 is predicted to undergo NMD.']

NM_005732.4(RAD50):c.2746G>T (p.Glu916Ter)

Gene: RAD50 (RAD50 double strand break repair protein; plus strand). Cytogenetic location: 5q31.1.
Variant type: single nucleotide variant.
Coding change: c.2746G>T on transcript NM_005732.4 (MANE Select); coding-DNA position 2746, G replaced by T.
Protein change: p.Glu916Ter; replaces glutamic acid 916 with a stop codon.
Molecular consequence: nonsense.
Genome position (GRCh38, 1-based): chr5:132,608,642, G>T. VCF-style: chr5-132608642-G-T. GRCh37 (hg19) VCF-style: chr5-131944334-G-T.
Other names: short protein forms E916*.
Identifiers: ClinVar variation 4880076 (VCV004880076.1).